The following is an entry in ClinVar:

NM_004415.4(DSP):c.685G>A (p.Gly229Ser)

Gene: DSP (desmoplakin; plus strand). Cytogenetic location: 6p24.3.
Variant type: single nucleotide variant.
Coding change: c.685G>A on transcript NM_004415.4 (MANE Select); coding-DNA position 685, G replaced by A.
Protein change: p.Gly229Ser; replaces glycine 229 with serine.
Molecular consequence: missense variant.
Genome position (GRCh38, 1-based): chr6:7,562,739, G>A. VCF-style: chr6-7562739-G-A. GRCh37 (hg19) VCF-style: chr6-7562972-G-A.
Other names: c.685G>A, p.Gly229Ser (NM_001008844.3, NM_001319034.2); short protein forms G229S.
Identifiers: ClinVar variation 918356 (VCV000918356.22), dbSNP rs376185352, ClinGen allele CA048501.

ClinVar aggregate classification (germline): Conflicting classifications of pathogenicity. Review status: criteria provided, conflicting classifications (1 of 4 stars). 6 submissions from 6 submitters: Uncertain significance (4); Likely benign (2). Last evaluated 2025-10-27.

Conditions:
Cardiovascular phenotype. Identifiers: MedGen CN230736.
Arrhythmogenic cardiomyopathy with wooly hair and keratoderma. Also called: Carvajal syndrome; PALMOPLANTAR KERATODERMA WITH LEFT VENTRICULAR CARDIOMYOPATHY AND WOOLLY HAIR; Dilated cardiomyopathy with woolly hair and keratoderma; Arrhythmogenic cardiomyopathy with woolly hair and keratoderma. Identifiers: Orphanet 65282, MedGen C1854063, MONDO:0011581, OMIM 605676.
Cardiomyopathy, dilated, with wooly hair, keratoderma, and tooth agenesis. Also called: Cardiomyopathy, dilated, with woolly hair, keratoderma, and tooth agenesis; Erythrokeratodermia-cardiomyopathy syndrome. Identifiers: Orphanet 476096, Orphanet 65282, MedGen C4014393, MONDO:0014355, OMIM 615821.
Arrhythmogenic right ventricular dysplasia 8 (ARVD8). Also called: Arrhythmogenic Right Ventricular Dysplasia/Cardiomyopathy 8; ARRHYTHMOGENIC RIGHT VENTRICULAR DYSPLASIA, FAMILIAL, 8; ARRHYTHMOGENIC RIGHT VENTRICULAR CARDIOMYOPATHY 8. Identifiers: MedGen C1843896, MONDO:0011831, OMIM 607450.
Lethal acantholytic epidermolysis bullosa (EBLA). Identifiers: Orphanet 158687, MedGen C1864826, MONDO:0012323, OMIM 609638.
Woolly hair-skin fragility syndrome (WHSF). Identifiers: Orphanet 293165, MedGen C1843292, MONDO:0957307, OMIM 620415.
Keratosis palmoplantaris striata 2. Also called: Keratosis palmoplantaris striata II; KERATODERMA, PALMOPLANTAR, STRIATE FORM II; STRIATE PALMOPLANTAR KERATODERMA II. Identifiers: MedGen C1852127, MONDO:0013034, OMIM 612908.
Cardiomyopathy (CMYO). Also called: Cardiomyopathies. Identifiers: Orphanet 167848, MedGen C0878544, MONDO:0004994, HP:0001638. Inheritance: Various modes of inheritance.

Allele frequency attached by ClinVar (database versions not stated): TOPMed 0.00001; ESP Exome Variant Server 0.00008.

Submissions (6):

Ambry Genetics
Classification: Uncertain significance for Cardiovascular phenotype. Last evaluated: 2025-10-27. Review status: criteria provided, single submitter. Criteria: Ambry Variant Classification Scheme 2023. Collection method: clinical testing. Allele origin: germline.
Comment: The p.G229S variant (also known as c.685G>A), located in coding exon 5 of the DSP gene, results from a G to A substitution at nucleotide position 685. The glycine at codon 229 is replaced by serine, an amino acid with similar properties. This amino acid position is not well conserved in available vertebrate species. In addition, the in silico prediction for this alteration is inconclusive. Based on the available evidence, the clinical significance of this variant remains unclear.

Color Diagnostics, LLC DBA Color Health
Classification: Uncertain significance for Cardiomyopathy. Last evaluated: 2025-06-30. Review status: criteria provided, single submitter. Criteria: ACMG Guidelines, 2015. Collection method: clinical testing. Allele origin: germline.
Comment: This missense variant replaces glycine with serine at codon 229 of the DSP protein. Computational prediction suggests that this variant may not impact protein structure and function. To our knowledge, functional studies have not been reported for this variant. This variant has not been reported in individuals affected with DSP-related disorders in the literature. This variant has been identified in 3/251442 chromosomes in the general population by the Genome Aggregation Database (gnomAD). The available evidence is insufficient to determine the role of this variant in disease conclusively. Therefore, this variant is classified as a Variant of Uncertain Significance.

Labcorp Genetics (formerly Invitae), Labcorp
Classification: Likely benign for Arrhythmogenic cardiomyopathy with wooly hair and keratoderma; Arrhythmogenic right ventricular dysplasia 8. Last evaluated: 2024-12-04. Review status: criteria provided, single submitter. Criteria: Invitae Variant Classification Sherloc (09022015). Collection method: clinical testing. Allele origin: germline.

All of Us Research Program, National Institutes of Health
Classification: Uncertain significance for Arrhythmogenic cardiomyopathy with wooly hair and keratoderma. Last evaluated: 2024-05-17. Review status: criteria provided, single submitter. Criteria: ACMG Guidelines, 2015. Collection method: clinical testing. Allele origin: germline. Inheritance: Autosomal dominant inheritance. Observed: 4 variant alleles, 4 heterozygotes.
Comment: This missense variant replaces glycine with serine at codon 229 of the DSP protein. Computational prediction suggests that this variant may not impact protein structure and function (internally defined REVEL score threshold <= 0.5, PMID: 27666373). To our knowledge, functional studies have not been reported for this variant. This variant has not been reported in individuals affected with cardiovascular disorders in the literature. This variant has been identified in 3/251442 chromosomes in the general population by the Genome Aggregation Database (gnomAD). The available evidence is insufficient to determine the role of this variant in disease conclusively. Therefore, this variant is classified as a Variant of Uncertain Significance.

This study involves interpretation of variants in research participants for the purpose of population health screening. Participant phenotype was not available at the time of variant classification. Additional details can be found in publication PMID: 35346344, PMCID: PMC8962531

Fulgent Genetics
Classification: Uncertain significance for Arrhythmogenic cardiomyopathy with wooly hair and keratoderma; Arrhythmogenic right ventricular dysplasia 8; Lethal acantholytic epidermolysis bullosa; Keratosis palmoplantaris striata 2; Cardiomyopathy, dilated, with wooly hair, keratoderma, and tooth agenesis. Last evaluated: 2021-10-18. Review status: criteria provided, single submitter. Criteria: ACMG Guidelines, 2015. Collection method: clinical testing. Allele origin: unknown.

Blueprint Genetics
Classification: Likely benign. Last evaluated: 2020-08-17. Review status: criteria provided, single submitter. Criteria: ACMG Guidelines, 2015. Collection method: clinical testing. Allele origin: germline.